The following is an entry in ClinVar:

ClinVar aggregate classification (germline): Uncertain significance (1 of 4 stars; one submission).

Submission:

Women's Health and Genetics/Laboratory Corporation of America, LabCorp
Classification: Uncertain significance. Last evaluated: 2024-11-11. Review status: criteria provided, single submitter. Criteria: LabCorp Variant Classification Summary - May 2015. Collection method: clinical testing. Allele origin: germline.
Comment: Variant summary: CACNA1A c.5628+1246G>A (NM_001127221.2) is located at a position not widely known to affect splicing. Consensus agreement among computation tools predict no significant impact on normal splicing. However, these predictions have yet to be confirmed by functional studies. In a different transcript this variant corresponds to a missense change (NM_001127222.2: c.5603G>A (p.Cys1868Tyr)). The variant was absent in 247938 control chromosomes (gnomAD). The available data on variant occurrences in the general population are insufficient to allow any conclusion about variant significance. To our knowledge, no occurrence of c.5628+1246G>A in individuals affected with Epileptic Encephalopathy, Early Infantile, 42 and no experimental evidence demonstrating its impact on protein function have been reported. No submitters have cited clinical-significance assessments for this variant to ClinVar. Based on the evidence outlined above, the variant was classified as uncertain significance.

NM_001127222.2(CACNA1A):c.5603G>A (p.Cys1868Tyr)

Gene: CACNA1A (calcium voltage-gated channel subunit alpha1 A; minus strand). Cytogenetic location: 19p13.13.
Variant type: single nucleotide variant.
Coding change: c.5603G>A on transcript NM_001127222.2 (MANE Select); coding-DNA position 5603, G replaced by A.
Protein change: p.Cys1868Tyr; replaces cysteine 1868 with tyrosine.
Molecular consequence: missense variant. On other transcripts: intron variant (1).
Genome position (GRCh38, 1-based): chr19:13,227,453, C>T on the plus strand (G>A on the coding strand, the complement: CACNA1A is on the minus strand). VCF-style: chr19-13227453-C-T. GRCh37 (hg19) VCF-style: chr19-13338267-C-T.
Other names: c.5621G>A, p.Cys1874Tyr (NM_000068.4, NM_023035.3); c.5612G>A, p.Cys1871Tyr (NM_001174080.2); c.5628+1246G>A (NM_001127221.2); short protein forms C1868Y, C1871Y, C1874Y.
Identifiers: ClinVar variation 3629728 (VCV003629728.1).
Genomic context (GRCh38, chr19:13,227,453, plus strand): 5'-CAGTGCCTGGACGTCGGTGGTCGGCAAGGGTAGTCTACCTTGTAAGCCACTCTGGCCGGA[C>T]ACTTCTTCCCCAGACCCAGGGGCGGAGACATGTGTCTCAGCATCTGATACATGTCCAGGT-3'
Protein context (NP_001120694.1, residues 1858-1878): MSPPLGLGKK[Cys1868Tyr]PARVAYKRLL